The following is an entry in ClinVar:

ClinVar aggregate classification (germline): Uncertain significance (1 of 4 stars; one submission).

Submission:

Ambry Genetics
Classification: Uncertain significance. Last evaluated: 2025-03-19. Review status: criteria provided, single submitter. Criteria: Ambry Variant Classification Scheme 2023. Collection method: clinical testing. Allele origin: germline.
Comment: The p.D131N variant (also known as c.391G>A), located in coding exon 2 of the GALNT12 gene, results from a G to A substitution at nucleotide position 391. The aspartic acid at codon 131 is replaced by asparagine, an amino acid with highly similar properties. This amino acid position is not well conserved in available vertebrate species. In addition, this alteration is predicted to be tolerated by in silico analysis. Since supporting evidence is limited at this time, the clinical significance of this alteration remains unclear.

NM_024642.5(GALNT12):c.391G>A (p.Asp131Asn)

Gene: GALNT12 (polypeptide N-acetylgalactosaminyltransferase 12; plus strand). Cytogenetic location: 9q22.33.
Variant type: single nucleotide variant.
Coding change: c.391G>A on transcript NM_024642.5 (MANE Select); coding-DNA position 391, G replaced by A.
Protein change: p.Asp131Asn; replaces aspartic acid 131 with asparagine.
Molecular consequence: missense variant.
Genome position (GRCh38, 1-based): chr9:98,823,275, G>A. VCF-style: chr9-98823275-G-A. GRCh37 (hg19) VCF-style: chr9-101585557-G-A.
Other names: short protein forms D131N.
Identifiers: ClinVar variation 824380 (VCV000824380.6), dbSNP rs1588444632, ClinGen allele CA374216513.